The following is an entry in ClinVar:

ClinVar aggregate classification (germline): Pathogenic/Likely pathogenic. Review status: criteria provided, multiple submitters, no conflicts (2 of 4 stars). 5 submissions from 5 submitters: Pathogenic (3); Likely pathogenic (1). 1 of the submissions does not count toward it. Last evaluated 2024-11-05.

Conditions:
CEP78-related disorder. Also called: CEP78-related condition.
Cone-rod dystrophy and hearing loss 1 (CRDHL1). Identifiers: MedGen C5193018, MONDO:0020778, OMIM 617236.

Allele frequency attached by ClinVar (database versions not stated): TOPMed below 0.00001; gnomAD exomes 0.00001; ExAC 0.00003; gnomAD 0.00003.

Submissions (6):

Labcorp Genetics (formerly Invitae), Labcorp
Classification: Pathogenic. Last evaluated: 2024-11-05. Review status: criteria provided, single submitter. Criteria: Invitae Variant Classification Sherloc (09022015). Collection method: clinical testing. Allele origin: germline.
Comment: This sequence change falls in intron 10 of the CEP78 gene. It does not directly change the encoded amino acid sequence of the CEP78 protein. RNA analysis indicates that this variant induces altered splicing and may result in an absent or altered protein product. The frequency data for this variant in the population databases is considered unreliable, as metrics indicate poor data quality at this position in the gnomAD database. This variant has been observed in individual(s) with CEP78-related conditions (PMID: 27627988). ClinVar contains an entry for this variant (Variation ID: 372271). Variants that disrupt the consensus splice site are a relatively common cause of aberrant splicing (PMID: 17576681, 9536098). Studies have shown that this variant results in skipping of exon 10 and introduces a premature termination codon (PMID: 27627988). The resulting mRNA is expected to undergo nonsense-mediated decay. For these reasons, this variant has been classified as Pathogenic.

Blueprint Genetics
Classification: Likely pathogenic for CEP78-related disorders. Last evaluated: 2024-09-05. Review status: criteria provided, single submitter. Criteria: ACMG Guidelines, 2015. Collection method: clinical testing. Allele origin: germline. Affected: yes. Observed: 1 variant allele.

3billion
Classification: Pathogenic for Cone-rod dystrophy and hearing loss 1. Last evaluated: 2022-05-22. Review status: criteria provided, single submitter. Criteria: ACMG Guidelines, 2015. Collection method: clinical testing. Allele origin: germline. Affected: yes. Observed: 1 homozygote.
Comment: The variant is observed at an extremely low frequency in the gnomAD v2.1.1 dataset (total allele frequency: 0.003%). Intron variant: previously reported to alter splicing and result in a loss of normal protein fucnction through nonsense-mediated decay (NMD) or protein truncation (PMID:27627988). The variant has been observed experimentally to skip exon 10 of NM_001330691.3 transcript resulting in frameshift NP_001317620.1:p.(Arg403SerfsTer7) variant. It has been reported to co-segregate with the disease in at least one similarly affected relative/individual in the same family or similarly affected unrelated family (PMID:27627988). Therefore, this variant is classified as pathogenic according to the recommendation of ACMG/AMP guideline.

Juno Genomics, Hangzhou Juno Genomics, Inc
Classification: Pathogenic for Cone-rod dystrophy and hearing loss 1. Review status: criteria provided, single submitter. Criteria: ACMG Guidelines, 2015. Collection method: clinical testing. Allele origin: germline.
Comment: Absent from controls (or at extremely low frequency if recessive) in Genome Aggregation Database.;Null variant in a gene where loss of function (LOF) is a known mechanism of disease.;For recessive disorders, detected in trans with a pathogenic variant.;Co-segregation with disease in multiple affected family members.

OMIM
Classification: Pathogenic for CONE-ROD DYSTROPHY AND HEARING LOSS 1. Last evaluated: 2021-06-14. Review status: no assertion criteria provided. Collection method: literature only. Allele origin: germline. Not counted in ClinVar's aggregate classification.

Dr. Peter K. Rogan Lab, Western University
No classification provided (evidence only). Condition: Familial pancreatic carcinoma. Review status: no classification provided. Collection method: in vitro. Allele origin: not applicable. Functional consequence: skipped exon, retained intron. Not counted in ClinVar's aggregate classification.

Literature cited by the submitters: PubMed 27627988 (cited by 3 submitters); PubMed 17576681 (cited by Labcorp Genetics (formerly Invitae), Labcorp); PubMed 9536098 (cited by Labcorp Genetics (formerly Invitae), Labcorp).

NM_001330691.3(CEP78):c.1251+5G>A

Gene: CEP78 (centrosomal protein 78; plus strand). Cytogenetic location: 9q21.2.
Variant type: single nucleotide variant.
Coding change: c.1251+5G>A on transcript NM_001330691.3 (MANE Select); 5 bases into the intron after coding-DNA position 1251, G replaced by A.
Molecular consequence: intron variant.
Genome position (GRCh38, 1-based): chr9:78,253,282, G>A. VCF-style: chr9-78253282-G-A. GRCh37 (hg19) VCF-style: chr9-80868198-G-A.
Other names: IVS10DS, G-A, +5; c.1254+5G>A (NM_001349839.2, NM_001349840.2, NM_001098802.3 and 1 more transcripts); c.1251+5G>A (NM_001330693.3, NM_001349838.2, NM_001330694.2).
Identifiers: ClinVar variation 372271 (VCV000372271.14), dbSNP rs745750156, ClinGen allele CA5095191.